The following is an entry in ClinVar:

NM_015557.3(CHD5):c.4261-5C>T

Gene: CHD5 (chromodomain helicase DNA binding protein 5; minus strand). Cytogenetic location: 1p36.31.
Variant type: single nucleotide variant.
Coding change: c.4261-5C>T on transcript NM_015557.3 (MANE Select); 5 bases into the intron before coding-DNA position 4261, C replaced by T.
Molecular consequence: intron variant.
Genome position (GRCh38, 1-based): chr1:6,125,238, G>A on the plus strand (C>T on the coding strand, the complement: CHD5 is on the minus strand). VCF-style: chr1-6125238-G-A. GRCh37 (hg19) VCF-style: chr1-6185298-G-A.
Identifiers: ClinVar variation 3339809 (VCV003339809.1).

ClinVar aggregate classification (germline): Uncertain significance (1 of 4 stars; one submission).

gnomAD v4.1: 3 of 1,600,138 alleles (0.00019%); highest among the groups gnomAD compares: East Asian, 0.0045%; no homozygotes.

Submission:

Women's Health and Genetics/Laboratory Corporation of America, LabCorp
Classification: Uncertain significance. Last evaluated: 2024-06-24. Review status: criteria provided, single submitter. Criteria: LabCorp Variant Classification Summary - May 2015. Collection method: clinical testing. Allele origin: germline.
Comment: Variant summary: CHD5 c.4261-5C>T alters a non-conserved nucleotide located close to a canonical splice site and therefore could affect mRNA splicing, leading to a significantly altered protein sequence. Consensus agreement among computation tools predict no significant impact on normal splicing. However, these predictions have yet to be confirmed by functional studies. The variant allele was found at a frequency of 4.3e-06 in 234058 control chromosomes. The available data on variant occurrences in the general population are insufficient to allow any conclusion about variant significance. To our knowledge, no occurrence of c.4261-5C>T in individuals affected with Parenti-Mignot Neurodevelopmental Syndrome and no experimental evidence demonstrating its impact on protein function have been reported. No submitters have cited clinical-significance assessments for this variant to ClinVar. Based on the evidence outlined above, the variant was classified as uncertain significance.